The following is an entry in ClinVar:

ClinVar aggregate classification (germline): Uncertain significance (1 of 4 stars; one submission).

gnomAD v4.1: 31 of 1,614,012 alleles (0.0019%); highest among the groups gnomAD compares: Admixed American, 0.005%; no homozygotes.

Submission:

GeneDx
Classification: Uncertain significance. Last evaluated: 2023-12-24. Review status: criteria provided, single submitter. Criteria: GeneDx Variant Classification Process June 2021. Collection method: clinical testing. Allele origin: germline. Affected: yes.
Comment: In silico analysis supports that this missense variant does not alter protein structure/function; Has not been previously published as pathogenic or benign to our knowledge; Reported using an alternate transcript of the gene

NM_032974.5(CASP10):c.1532G>A (p.Arg511Gln)

Gene: CASP10 (caspase 10; plus strand). Cytogenetic location: 2q33.1.
Variant type: single nucleotide variant.
Coding change: c.1532G>A on transcript NM_032974.5; coding-DNA position 1532, G replaced by A.
Protein change: p.Arg511Gln; replaces arginine 511 with glutamine.
Molecular consequence: missense variant.
Genome position (GRCh38, 1-based): chr2:201,229,049, G>A. VCF-style: chr2-201229049-G-A. GRCh37 (hg19) VCF-style: chr2-202093772-G-A.
Other names: c.1403G>A, p.Arg468Gln (NM_001206542.2); short protein forms R468Q, R511Q.
Identifiers: ClinVar variation 3365790 (VCV003365790.1).